The following is an entry in ClinVar:

ClinVar aggregate classification (germline): Uncertain significance (1 of 4 stars; one submission).

Conditions:
Intellectual developmental disorder, X-linked 1. Also called: Atkin Flaitz Patil Smith syndrome; MENTAL RETARDATION, X-LINKED 18; MENTAL RETARDATION, X-LINKED 78; Intellectual disability, X-linked 1. Identifiers: Orphanet 777, MedGen C2931498, MONDO:0010656, OMIM 309530.

Submission:

Labcorp Genetics (formerly Invitae), Labcorp
Classification: Uncertain significance for Intellectual developmental disorder, X-linked 1. Last evaluated: 2025-04-17. Review status: criteria provided, single submitter. Criteria: Invitae Variant Classification Sherloc (09022015). Collection method: clinical testing. Allele origin: germline.
Comment: This sequence change replaces glycine, which is neutral and non-polar, with glutamic acid, which is acidic and polar, at codon 1274 of the IQSEC2 protein (p.Gly1274Glu). This variant is not present in population databases (gnomAD no frequency). This variant has not been reported in the literature in individuals affected with IQSEC2-related conditions. Invitae Evidence Modeling of protein sequence and biophysical properties (such as structural, functional, and spatial information, amino acid conservation, physicochemical variation, residue mobility, and thermodynamic stability) indicates that this missense variant is not expected to disrupt IQSEC2 protein function with a negative predictive value of 95%. In summary, the available evidence is currently insufficient to determine the role of this variant in disease. Therefore, it has been classified as a Variant of Uncertain Significance.

NM_001111125.3(IQSEC2):c.3821G>A (p.Gly1274Glu)

Gene: IQSEC2 (IQ motif and Sec7 domain ArfGEF 2; minus strand). Cytogenetic location: Xp11.22.
Variant type: single nucleotide variant.
Coding change: c.3821G>A on transcript NM_001111125.3 (MANE Select); coding-DNA position 3821, G replaced by A.
Protein change: p.Gly1274Glu; replaces glycine 1274 with glutamic acid.
Molecular consequence: missense variant. On other transcripts: 3 prime UTR variant (4), intron variant (2).
Genome position (GRCh38, 1-based): chrX:53,234,865, C>T on the plus strand (G>A on the coding strand, the complement: IQSEC2 is on the minus strand). VCF-style: chrX-53234865-C-T. GRCh37 (hg19) VCF-style: chrX-53264047-C-T.
Other names: c.*306G>A (NM_001410736.1, NM_001441093.1, NM_001441094.1 and 1 more transcripts); c.3451+1457G>A (NM_001441092.1); c.2740+1457G>A (NM_001441095.1); short protein forms G1274E.
Identifiers: ClinVar variation 4801012 (VCV004801012.1).